The following is an entry in ClinVar:

ClinVar aggregate classification (germline): Likely benign (1 of 4 stars; one submission).

gnomAD v4.1: 1,229 of 1,368,434 alleles (0.09%); highest among the groups gnomAD compares: South Asian, 0.37%; 3 homozygotes.

Submission:

CeGaT Center for Human Genetics Tuebingen
Classification: Likely benign. Last evaluated: 2026-08-01. Review status: criteria provided, single submitter. Criteria: CeGaT Center For Human Genetics Tuebingen Variant Classification Criteria Version 2. Collection method: clinical testing. Allele origin: germline. Affected: yes. Observed: 2 variant alleles.
Comment: POLRMT: BP4, BP7

NM_005035.4(POLRMT):c.2226C>G (p.Pro742=)

Gene: POLRMT (RNA polymerase mitochondrial; minus strand). Cytogenetic location: 19p13.3.
Variant type: single nucleotide variant.
Coding change: c.2226C>G on transcript NM_005035.4 (MANE Select); coding-DNA position 2226, C replaced by G.
Protein change: p.Pro742=; no amino-acid change (proline 742 retained).
Molecular consequence: synonymous variant. On other transcripts: non-coding transcript variant (1).
Genome position (GRCh38, 1-based): chr19:621,472, G>C on the plus strand (C>G on the coding strand, the complement: POLRMT is on the minus strand). VCF-style: chr19-621472-G-C. GRCh37 (hg19) VCF-style: chr19-621472-G-C.
Other names: c.2226C>G, p.Pro742= (NM_001407805.1, NM_001407808.1, NM_001407812.1 and 4 more transcripts); c.2217C>G, p.Pro739= (NM_001407806.1, NM_001407809.1); c.2214C>G, p.Pro738= (NM_001407807.1, NM_001407810.1); c.2184C>G, p.Pro728= (NM_001407811.1, NM_001407813.1); c.2001C>G, p.Pro667= (NM_001407830.1, NM_001407832.1); c.1902C>G, p.Pro634= (NM_001407831.1, NM_001407833.1, NM_001407835.1 and 1 more transcripts); c.1893C>G, p.Pro631= (NM_001407834.1).
Identifiers: ClinVar variation 4872178 (VCV004872178.2).